The following is an entry in ClinVar:

ClinVar aggregate classification (germline): Uncertain significance. Review status: criteria provided, multiple submitters, no conflicts (2 of 4 stars). 2 submissions from 2 submitters: Uncertain significance (2). Last evaluated 2026-01-06.

Allele frequency attached by ClinVar (database versions not stated): gnomAD exomes below 0.00001; ExAC 0.00002; TOPMed 0.00003; gnomAD 0.00009 and 0.00010.
gnomAD v4.1: 38 of 1,614,176 alleles (0.0024%); highest among the groups gnomAD compares: Admixed American, 0.022%; 2 homozygotes.

Submissions (2):

Labcorp Genetics (formerly Invitae), Labcorp
Classification: Uncertain significance. Last evaluated: 2026-01-06. Review status: criteria provided, single submitter. Criteria: Invitae Variant Classification Sherloc (09022015). Collection method: clinical testing. Allele origin: germline.
Comment: This sequence change replaces threonine, which is neutral and polar, with isoleucine, which is neutral and non-polar, at codon 394 of the CLUAP1 protein (p.Thr394Ile). This variant is present in population databases (rs759299063, gnomAD no frequency). This variant has not been reported in the literature in individuals affected with CLUAP1-related conditions. ClinVar contains an entry for this variant (Variation ID: 1053696). Invitae Evidence Modeling of protein sequence and biophysical properties (such as structural, functional, and spatial information, amino acid conservation, physicochemical variation, residue mobility, and thermodynamic stability) indicates that this missense variant is not expected to disrupt CLUAP1 protein function with a negative predictive value of 80%. In summary, the available evidence is currently insufficient to determine the role of this variant in disease. Therefore, it has been classified as a Variant of Uncertain Significance.

Ambry Genetics
Classification: Uncertain significance. Last evaluated: 2025-11-26. Review status: criteria provided, single submitter. Criteria: Ambry Variant Classification Scheme 2023. Collection method: clinical testing. Allele origin: germline.

NM_015041.3(CLUAP1):c.1181C>T (p.Thr394Ile)

Gene: CLUAP1 (clusterin associated protein 1; plus strand). Cytogenetic location: 16p13.3.
Variant type: single nucleotide variant.
Coding change: c.1181C>T on transcript NM_015041.3 (MANE Select); coding-DNA position 1181, C replaced by T.
Protein change: p.Thr394Ile; replaces threonine 394 with isoleucine.
Molecular consequence: missense variant.
Genome position (GRCh38, 1-based): chr16:3,536,210, C>T. VCF-style: chr16-3536210-C-T. GRCh37 (hg19) VCF-style: chr16-3586210-C-T.
Other names: c.1238C>T, p.Thr413Ile (NM_001330454.2); c.683C>T, p.Thr228Ile (NM_024793.3); c.1181C>T (NM_015041.1); short protein forms T228I, T394I, T413I.
Identifiers: ClinVar variation 1053696 (VCV001053696.9), dbSNP rs759299063, ClinGen allele CA7864064.
Genomic context (GRCh38, chr16:3,536,210, plus strand): 5'-TGGAAGATGATGATGACGAGGATGACGATTTGGAAGACGAGAGCATTTCTCTCTCACCAA[C>T]CAAGCCCAATCGAAGGGTCCGGAAATCTGAACCCCTGGATGAGAGTGACAATGACTTCTG-3'
Protein context (NP_055856.1, residues 384-404): LEDESISLSP[Thr394Ile]KPNRRVRKSE